The following is an entry in ClinVar:

ClinVar aggregate classification (germline): Uncertain significance (1 of 4 stars; one submission).

Conditions:
Cardiovascular phenotype. Identifiers: MedGen CN230736.

gnomAD v4.1: 2 of 1,611,404 alleles (0.00012%); highest among the groups gnomAD compares: Non-Finnish European, 0.00017%; no homozygotes.

Submission:

Ambry Genetics
Classification: Uncertain significance for Cardiovascular phenotype. Last evaluated: 2025-05-26. Review status: criteria provided, single submitter. Criteria: Ambry Variant Classification Scheme 2023. Collection method: clinical testing. Allele origin: germline.
Comment: The p.R199C variant (also known as c.595C>T), located in coding exon 2 of the TNXB gene, results from a C to T substitution at nucleotide position 595. The arginine at codon 199 is replaced by cysteine, an amino acid with highly dissimilar properties. This amino acid position is conserved. In addition, this alteration is predicted to be tolerated by in silico analysis. Based on the available evidence, the clinical significance of this variant remains unclear.

NM_001365276.2(TNXB):c.595C>T (p.Arg199Cys)

Gene: TNXB (tenascin XB; minus strand). Cytogenetic location: 6p21.33.
Variant type: single nucleotide variant.
Coding change: c.595C>T on transcript NM_001365276.2 (MANE Select); coding-DNA position 595, C replaced by T.
Protein change: p.Arg199Cys; replaces arginine 199 with cysteine.
Molecular consequence: missense variant.
Genome position (GRCh38, 1-based): chr6:32,097,258, G>A on the plus strand (C>T on the coding strand, the complement: TNXB is on the minus strand). VCF-style: chr6-32097258-G-A. GRCh37 (hg19) VCF-style: chr6-32065035-G-A.
Other names: c.595C>T, p.Arg199Cys (NM_001428335.1, NM_019105.8); short protein forms R199C.
Identifiers: ClinVar variation 3972037 (VCV003972037.1).